The following is an entry in ClinVar:

ClinVar aggregate classification (germline): Uncertain significance. Review status: criteria provided, multiple submitters, no conflicts (2 of 4 stars). 2 submissions from 2 submitters: Uncertain significance (2). Last evaluated 2024-06-05.

Conditions:
Inborn genetic diseases. Identifiers: MedGen C0950123, MeSH D030342.

Allele frequency attached by ClinVar (database versions not stated): gnomAD 0.00001; TOPMed 0.00002; gnomAD exomes 0.00003 and 0.00006; ExAC 0.00009.
gnomAD v4.1: 53 of 1,609,172 alleles (0.0033%); highest among the groups gnomAD compares: Middle Eastern, 0.083%; no homozygotes.

Submissions (2):

Ambry Genetics
Classification: Uncertain significance for Inborn genetic diseases. Last evaluated: 2024-06-05. Review status: criteria provided, single submitter. Criteria: Ambry Variant Classification Scheme 2023. Collection method: clinical testing. Allele origin: germline.

Labcorp Genetics (formerly Invitae), Labcorp
Classification: Uncertain significance. Last evaluated: 2023-11-27. Review status: criteria provided, single submitter. Criteria: Invitae Variant Classification Sherloc (09022015). Collection method: clinical testing. Allele origin: germline.
Comment: This sequence change replaces glutamic acid, which is acidic and polar, with glutamine, which is neutral and polar, at codon 841 of the C7 protein (p.Glu841Gln). This variant is present in population databases (rs750539263, gnomAD 0.01%). This variant has not been reported in the literature in individuals affected with C7-related conditions. ClinVar contains an entry for this variant (Variation ID: 1397602). An algorithm developed to predict the effect of missense changes on protein structure and function (PolyPhen-2) suggests that this variant¬†is likely to be tolerated. In summary, the available evidence is currently insufficient to determine the role of this variant in disease. Therefore, it has been classified as a Variant of Uncertain Significance.

NM_000587.4(C7):c.2521G>C (p.Glu841Gln)

Gene: C7 (complement C7; plus strand). Cytogenetic location: 5p13.1.
Variant type: single nucleotide variant.
Coding change: c.2521G>C on transcript NM_000587.4 (MANE Select); coding-DNA position 2521, G replaced by C.
Protein change: p.Glu841Gln; replaces glutamic acid 841 with glutamine.
Molecular consequence: missense variant.
Genome position (GRCh38, 1-based): chr5:40,981,562, G>C. VCF-style: chr5-40981562-G-C. GRCh37 (hg19) VCF-style: chr5-40981664-G-C.
Other names: c.2521G>C (NM_000587.2); short protein forms E841Q.
Identifiers: ClinVar variation 1397602 (VCV001397602.5), dbSNP rs750539263, ClinGen allele CA3250336.